The following is an entry in ClinVar:

ClinVar aggregate classification (germline): Uncertain significance (1 of 4 stars; one submission).

gnomAD v4.1: 10 of 1,603,424 alleles (0.00062%); highest among the groups gnomAD compares: Non-Finnish European, 0.00068%; no homozygotes.

Submission:

Labcorp Genetics (formerly Invitae), Labcorp
Classification: Uncertain significance. Last evaluated: 2025-10-07. Review status: criteria provided, single submitter. Criteria: Invitae Variant Classification Sherloc (09022015). Collection method: clinical testing. Allele origin: germline.
Comment: This sequence change replaces histidine, which is basic and polar, with arginine, which is basic and polar, at codon 897 of the MPDZ protein (p.His897Arg). This variant is not present in population databases (gnomAD no frequency). This variant has not been reported in the literature in individuals affected with MPDZ-related conditions. An algorithm developed to predict the effect of missense changes on protein structure and function outputs the following: PolyPhen-2: "Benign". The arginine amino acid residue is found in multiple mammalian species, which suggests that this missense change does not adversely affect protein function. In summary, the available evidence is currently insufficient to determine the role of this variant in disease. Therefore, it has been classified as a Variant of Uncertain Significance.

NM_001378778.1(MPDZ):c.2690A>G (p.His897Arg)

Gene: MPDZ (multiple PDZ domain crumbs cell polarity complex component; minus strand). Cytogenetic location: 9p23.
Variant type: single nucleotide variant.
Coding change: c.2690A>G on transcript NM_001378778.1 (MANE Select); coding-DNA position 2690, A replaced by G.
Protein change: p.His897Arg; replaces histidine 897 with arginine.
Molecular consequence: missense variant.
Genome position (GRCh38, 1-based): chr9:13,176,377, T>C on the plus strand (A>G on the coding strand, the complement: MPDZ is on the minus strand). VCF-style: chr9-13176377-T-C. GRCh37 (hg19) VCF-style: chr9-13176376-T-C.
Other names: c.2690A>G, p.His897Arg (NM_001261406.2, NM_001261407.2, NM_001330637.2 and 14 more transcripts); short protein forms H897R.
Identifiers: ClinVar variation 4694442 (VCV004694442.1).
Genomic context (GRCh38, chr9:13,176,377, plus strand): 5'-GGTGTATTCTCATCCTGTCTTTGCAGGAGATTCTGGGTATATAGTTCCTCCAGAGACATA[T>C]GCAGATCAAGTACTGGATCACAAGAATTTTCAATAACATCCTGGTAGTTAAAAAACAACA-3'
Protein context (NP_001365707.1, residues 887-907): ENSCDPVLDL[His897Arg]MSLEELYTQN